The following is an entry in ClinVar:

ClinVar aggregate classification (germline): Uncertain significance (1 of 4 stars; one submission).

Conditions:
Charlevoix-Saguenay spastic ataxia (SACS). Also called: AUTOSOMAL RECESSIVE SPASTIC ATAXIA OF CHARLEVOIX-SAGUENAY; Spastic ataxia of Charlevoix-Saguenay; SPASTIC ATAXIA 6, AUTOSOMAL RECESSIVE. Identifiers: Orphanet 98, MedGen C1849140, MONDO:0010041, OMIM 270550.

Submission:

Myriad Genetics, Inc.
Classification: Uncertain significance for Charlevoix-Saguenay spastic ataxia. Last evaluated: 2025-11-19. Review status: criteria provided, single submitter. Criteria: Myriad Autosomal Dominant, Autosomal Recessive and X-Linked Classification Criteria (2023). Collection method: clinical testing. Allele origin: unknown.
Comment: NM_014363.4(SACS):c.12073_12075delAAT(N4025del) is an in-frame deletion classified as a variant of uncertain significance in the context of autosomal recessive spastic ataxia of Charlevoix-Saguenay. N4025del has not been observed in cases with relevant disease. Relevant functional assessments of this variant are not available in the literature. N4025del has not been observed in referenced population frequency databases. In summary, there is insufficient evidence to classify NM_014363.4(SACS):c.12073_12075delAAT(N4025del) as pathogenic or benign. Please note: this variant was assessed in the context of healthy population screening.

NM_014363.6(SACS):c.12073_12075del (p.Asn4025del)

Gene: SACS (sacsin molecular chaperone; minus strand). Cytogenetic location: 13q12.12.
Variant type: Deletion.
Coding change: c.12073_12075del on transcript NM_014363.6 (MANE Select); coding-DNA positions 12073 to 12075, 3 bases deleted (AAT; older notation c.12073_12075delAAT).
Protein change: p.Asn4025del; deletes asparagine 4025.
Molecular consequence: inframe deletion.
Genome position (GRCh38, 1-based): chr13:23,331,801-23,331,803, ATT deleted on the plus strand (AAT on the coding strand, the reverse complement: SACS is on the minus strand); deleting any 3 consecutive bases within chr13:23,331,801-23,331,805 gives the same sequence; the c. name uses the placement nearest the transcript's 3' end. VCF-style (leftmost placement, unchanged base first): chr13-23331800-CATT-C. GRCh37 (hg19) VCF-style: chr13-23905939-CATT-C.
Other names: c.11632_11634del, p.Asn3878del (NM_001278055.2); c.12100_12102del, p.Asn4034del (NM_001437336.1); short protein forms N4025del, N4034del, N3878del.
Identifiers: ClinVar variation 5004287 (VCV005004287.1).